The following is an entry in ClinVar:

ClinVar aggregate classification (germline): Uncertain significance (1 of 4 stars; one submission).

Conditions:
Familial cancer of breast. Also called: hereditary breast carcinoma; Hereditary breast cancer; BREAST CANCER, FAMILIAL. Identifiers: Orphanet 227535, MedGen C0346153, MONDO:0016419, OMIM 114480. Disease mechanism: loss of function.

Submission:

Labcorp Genetics (formerly Invitae), Labcorp
Classification: Uncertain significance for Familial cancer of breast. Last evaluated: 2021-01-21. Review status: criteria provided, single submitter. Criteria: Invitae Variant Classification Sherloc (09022015). Collection method: clinical testing. Allele origin: germline.
Comment: This sequence change replaces aspartic acid with glycine at codon 500 of the BARD1 protein (p.Asp500Gly). The aspartic acid residue is highly conserved and there is a moderate physicochemical difference between aspartic acid and glycine. This variant is not present in population databases (ExAC no frequency). This variant has not been reported in the literature in individuals with BARD1-related conditions. Algorithms developed to predict the effect of missense changes on protein structure and function (SIFT, PolyPhen-2, Align-GVGD) all suggest that this variant is likely to be disruptive, but these predictions have not been confirmed by published functional studies and their clinical significance is uncertain. Algorithms developed to predict the effect of sequence changes on RNA splicing suggest that this variant may create or strengthen a splice site, but this prediction has not been confirmed by published transcriptional studies. In summary, the available evidence is currently insufficient to determine the role of this variant in disease. Therefore, it has been classified as a Variant of Uncertain Significance.

NM_000465.4(BARD1):c.1499A>G (p.Asp500Gly)

Gene: BARD1 (BRCA1 associated RING domain 1; minus strand). Cytogenetic location: 2q35.
Variant type: single nucleotide variant.
Coding change: c.1499A>G on transcript NM_000465.4 (MANE Select); coding-DNA position 1499, A replaced by G.
Protein change: p.Asp500Gly; replaces aspartic acid 500 with glycine.
Molecular consequence: missense variant. On other transcripts: non-coding transcript variant (3), intron variant (3).
Genome position (GRCh38, 1-based): chr2:214,767,551, T>C on the plus strand (A>G on the coding strand, the complement: BARD1 is on the minus strand). VCF-style: chr2-214767551-T-C. GRCh37 (hg19) VCF-style: chr2-215632275-T-C.
Other names: c.1442A>G, p.Asp481Gly (NM_001282543.2); c.159-14996A>G (NM_001282548.2); c.216-14996A>G (NM_001282545.2); c.364+24746A>G (NM_001282549.2); short protein forms D481G, D500G.
Identifiers: ClinVar variation 1504380 (VCV001504380.9), dbSNP rs878854001, ClinGen allele CA350448355.